The following is an entry in ClinVar:

NM_144666.3(DNHD1):c.5419C>T (p.Leu1807=)

Gene: DNHD1 (dynein heavy chain domain 1; plus strand). Cytogenetic location: 11p15.4.
Variant type: single nucleotide variant.
Coding change: c.5419C>T on transcript NM_144666.3 (MANE Select); coding-DNA position 5419, C replaced by T.
Protein change: p.Leu1807=; no amino-acid change (leucine 1807 retained).
Molecular consequence: synonymous variant.
Genome position (GRCh38, 1-based): chr11:6,546,358, C>T. VCF-style: chr11-6546358-C-T. GRCh37 (hg19) VCF-style: chr11-6567588-C-T.
Identifiers: ClinVar variation 3045979 (VCV003045979.2), dbSNP rs188331831, ClinGen allele CA5856053.

ClinVar aggregate classification (germline): Likely benign (0 of 4 stars; one submission).

Conditions:
DNHD1-related disorder. Also called: DNHD1-related condition.

Allele frequency attached by ClinVar (database versions not stated): gnomAD exomes 0.00013; ExAC 0.00052; 1000 Genomes Project 0.00060; 1000 Genomes Project 30x 0.00094; ESP Exome Variant Server 0.00131; gnomAD 0.00146; TOPMed 0.00177.
gnomAD v4.1: 410 of 1,552,286 alleles (0.026%); highest among the groups gnomAD compares: African/African-American, 0.52%; no homozygotes.

Submission:

PreventionGenetics, part of Exact Sciences
Classification: Likely benign for DNHD1-related condition. Last evaluated: 2019-10-28. Review status: no assertion criteria provided. Collection method: clinical testing. Allele origin: germline.
Comment: This variant is classified as likely benign based on ACMG/AMP sequence variant interpretation guidelines (Richards et al. 2015 PMID: 25741868, with internal and published modifications).